The following is an entry in ClinVar:

ClinVar aggregate classification (germline): Uncertain significance (1 of 4 stars; one submission).

Submission:

Labcorp Genetics (formerly Invitae), Labcorp
Classification: Uncertain significance. Last evaluated: 2023-10-13. Review status: criteria provided, single submitter. Criteria: Invitae Variant Classification Sherloc (09022015). Collection method: clinical testing. Allele origin: germline.
Comment: This sequence change falls in intron 9 of the TNFRSF11A gene. It does not directly change the encoded amino acid sequence of the TNFRSF11A protein. It affects a nucleotide within the consensus splice site. Information on the frequency of this variant in the gnomAD database is not available, as this variant may be reported differently in the database. This variant has not been reported in the literature in individuals affected with TNFRSF11A-related conditions. Variants that disrupt the consensus splice site are a relatively common cause of aberrant splicing (PMID: 17576681, 9536098). Experimental studies and prediction algorithms are not available or were not evaluated, and the effect of this variant on mRNA splicing is currently unknown. In summary, the available evidence is currently insufficient to determine the role of this variant in disease. Therefore, it has been classified as a Variant of Uncertain Significance.

Literature cited by the submitters: PubMed 17576681; PubMed 9536098.

NM_003839.4(TNFRSF11A):c.1568-4_1568-3delinsAA

Gene: TNFRSF11A (TNF receptor superfamily member 11a; plus strand). Cytogenetic location: 18q21.33.
Variant type: Indel.
Coding change: c.1568-4_1568-3delinsAA on transcript NM_003839.4 (MANE Select); 4 bases into the intron before coding-DNA position 1568 through 3 bases into the intron before coding-DNA position 1568, GC replaced by AA.
Molecular consequence: intron variant.
Genome position (GRCh38, 1-based): chr18:62,384,747-62,384,748, GC replaced by AA. VCF-style: chr18-62384747-GC-AA. GRCh37 (hg19) VCF-style: chr18-60051980-GC-AA.
Other names: c.784-4_784-3delinsAA (NM_001270949.2); c.731-4_731-3delinsAA (NM_001270950.2); c.617-4_617-3delinsAA (NM_001270951.2); c.1526-4_1526-3delinsAA (NM_001278268.2).
Identifiers: ClinVar variation 2798761 (VCV002798761.3), dbSNP rs2511620351, ClinGen allele CA2739276327.